The following is an entry in ClinVar:

NM_021930.6(RINT1):c.2201G>C (p.Cys734Ser)

Genes: EFCAB10 (EF-hand calcium binding domain 10; minus strand), RINT1 (RAD50 interactor 1; plus strand). Cytogenetic location: 7q22.3.
Variant type: single nucleotide variant.
Coding change: c.2201G>C on transcript NM_021930.6 (MANE Select); coding-DNA position 2201, G replaced by C.
Protein change: p.Cys734Ser; replaces cysteine 734 with serine.
Molecular consequence: missense variant. On other transcripts: 3 prime UTR variant (2), non-coding transcript variant (1), intron variant (3).
Genome position (GRCh38, 1-based): chr7:105,567,133, G>C. VCF-style: chr7-105567133-G-C. GRCh37 (hg19) VCF-style: chr7-105207580-G-C.
Other names: c.*321C>G (NM_001355527.2, NM_001355529.2); c.1967G>C, p.Cys656Ser (NM_001346599.2); c.1178G>C, p.Cys393Ser (NM_001346600.2, NM_001346603.2); c.1277G>C, p.Cys426Ser (NM_001346601.2); c.360-1686C>G (NM_001355531.2); c.383+334C>G (NM_001355526.2, NM_001355530.2); short protein forms C656S, C393S, C734S, C426S.
Identifiers: ClinVar variation 3433660 (VCV003433660.1).

ClinVar aggregate classification (germline): Uncertain significance (1 of 4 stars; one submission).

gnomAD v4.1: 1 of 1,574,322 alleles (0.000064%); highest among the groups gnomAD compares: Non-Finnish European, 0.000086%; no homozygotes.

Submission:

Ambry Genetics
Classification: Uncertain significance. Last evaluated: 2024-11-23. Review status: criteria provided, single submitter. Criteria: Ambry Variant Classification Scheme 2023. Collection method: clinical testing. Allele origin: germline.
Comment: The p.C734S variant (also known as c.2201G>C), located in coding exon 15 of the RINT1 gene, results from a G to C substitution at nucleotide position 2201. The cysteine at codon 734 is replaced by serine, an amino acid with dissimilar properties. This amino acid position is conserved. In addition, this alteration is predicted to be deleterious by in silico analysis. Based on the available evidence, the clinical significance of this variant remains unclear.